The following is an entry in ClinVar:

ClinVar aggregate classification (germline): Uncertain significance (1 of 4 stars; one submission).

Conditions:
Chromosome 2q32-q33 deletion syndrome (GLASS). Also called: 2q33.1 deletion syndrome; Glass syndrome. Identifiers: Orphanet 251019, MedGen C2676739, MONDO:0012864, OMIM 612313.

Allele frequency attached by ClinVar (database versions not stated): gnomAD exomes below 0.00001; gnomAD 0.00001; TOPMed 0.00001.
gnomAD v4.1: 5 of 1,613,436 alleles (0.00031%); highest among the groups gnomAD compares: Non-Finnish European, 0.00042%; no homozygotes.

Submission:

Labcorp Genetics (formerly Invitae), Labcorp
Classification: Uncertain significance for Chromosome 2q32-q33 deletion syndrome. Last evaluated: 2023-04-27. Review status: criteria provided, single submitter. Criteria: Invitae Variant Classification Sherloc (09022015). Collection method: clinical testing. Allele origin: germline.
Comment: This variant has not been reported in the literature in individuals affected with SATB2-related conditions. This variant is present in population databases (no rsID available, gnomAD 0.002%). This sequence change replaces serine, which is neutral and polar, with leucine, which is neutral and non-polar, at codon 450 of the SATB2 protein (p.Ser450Leu). Advanced modeling of protein sequence and biophysical properties (such as structural, functional, and spatial information, amino acid conservation, physicochemical variation, residue mobility, and thermodynamic stability) performed at Invitae indicates that this missense variant is not expected to disrupt SATB2 protein function. In summary, the available evidence is currently insufficient to determine the role of this variant in disease. Therefore, it has been classified as a Variant of Uncertain Significance.

NM_001172509.2(SATB2):c.1349C>T (p.Ser450Leu)

Gene: SATB2 (SATB homeobox 2; minus strand). Cytogenetic location: 2q33.1.
Variant type: single nucleotide variant.
Coding change: c.1349C>T on transcript NM_001172509.2 (MANE Select); coding-DNA position 1349, C replaced by T.
Protein change: p.Ser450Leu; replaces serine 450 with leucine.
Molecular consequence: missense variant.
Genome position (GRCh38, 1-based): chr2:199,328,735, G>A on the plus strand (C>T on the coding strand, the complement: SATB2 is on the minus strand). VCF-style: chr2-199328735-G-A. GRCh37 (hg19) VCF-style: chr2-200193458-G-A.
Other names: c.1349C>T, p.Ser450Leu (NM_001172517.1, NM_015265.4); short protein forms S450L.
Identifiers: ClinVar variation 2897136 (VCV002897136.3), dbSNP rs1278503270, ClinGen allele CA350386202.